The following is an entry in ClinVar:

NM_001377.3(DYNC2H1):c.3457C>T (p.Arg1153Trp)

Gene: DYNC2H1 (dynein cytoplasmic 2 heavy chain 1; plus strand). Cytogenetic location: 11q22.3.
Variant type: single nucleotide variant.
Coding change: c.3457C>T on transcript NM_001377.3 (MANE Select); coding-DNA position 3457, C replaced by T.
Protein change: p.Arg1153Trp; replaces arginine 1153 with tryptophan.
Molecular consequence: missense variant.
Genome position (GRCh38, 1-based): chr11:103,154,605, C>T. VCF-style: chr11-103154605-C-T. GRCh37 (hg19) VCF-style: chr11-103025334-C-T.
Other names: c.3457C>T, p.Arg1153Trp (NM_001080463.2); short protein forms R1153W.
Identifiers: ClinVar variation 1939684 (VCV001939684.3), dbSNP rs544600765, ClinGen allele CA6253318.

ClinVar aggregate classification (germline): Conflicting classifications of pathogenicity. Review status: criteria provided, conflicting classifications (1 of 4 stars). 2 submissions from 2 submitters: Uncertain significance (1); Likely benign (1). Last evaluated 2024-10-09.

Conditions:
Jeune thoracic dystrophy. Also called: Jeune syndrome; Infantile thoracic dystrophy; Thoracic pelvic phalangeal dystrophy; Jeune's syndrome; Chondroectodermal dysplasia-like syndrome; Short-rib thoracic dysplasia. Identifiers: Orphanet 474, MedGen C0265275, MONDO:0018770.

Allele frequency attached by ClinVar (database versions not stated): TOPMed 0.00002; gnomAD 0.00003; gnomAD exomes 0.00012; ExAC 0.00049; 1000 Genomes Project 0.00060; 1000 Genomes Project 30x 0.00078.
gnomAD v4.1: 163 of 1,589,180 alleles (0.01%); highest among the groups gnomAD compares: South Asian, 0.14%; 2 homozygotes.

Submissions (2):

Blueprint Genetics
Classification: Likely benign. Last evaluated: 2024-10-09. Review status: criteria provided, single submitter. Criteria: ACMG Guidelines, 2015. Collection method: clinical testing. Allele origin: germline.

Labcorp Genetics (formerly Invitae), Labcorp
Classification: Uncertain significance for Jeune thoracic dystrophy. Last evaluated: 2022-08-21. Review status: criteria provided, single submitter. Criteria: Invitae Variant Classification Sherloc (09022015). Collection method: clinical testing. Allele origin: germline.
Comment: This sequence change replaces arginine, which is basic and polar, with tryptophan, which is neutral and slightly polar, at codon 1153 of the DYNC2H1 protein (p.Arg1153Trp). This variant is present in population databases (rs544600765, gnomAD 0.2%). This variant has not been reported in the literature in individuals affected with DYNC2H1-related conditions. Algorithms developed to predict the effect of missense changes on protein structure and function are either unavailable or do not agree on the potential impact of this missense change (SIFT: "Deleterious"; PolyPhen-2: "Benign"; Align-GVGD: "Class C65"). Algorithms developed to predict the effect of sequence changes on RNA splicing suggest that this variant may disrupt the consensus splice site. In summary, the available evidence is currently insufficient to determine the role of this variant in disease. Therefore, it has been classified as a Variant of Uncertain Significance.